The following is an entry in ClinVar:

NM_004360.5(CDH1):c.1592A>G (p.Asn531Ser)

Gene: CDH1 (cadherin 1; plus strand). Cytogenetic location: 16q22.1.
Variant type: single nucleotide variant.
Coding change: c.1592A>G on transcript NM_004360.5 (MANE Select); coding-DNA position 1592, A replaced by G.
Protein change: p.Asn531Ser; replaces asparagine 531 with serine.
Molecular consequence: missense variant. On other transcripts: intron variant (1).
Genome position (GRCh38, 1-based): chr16:68,819,306, A>G. VCF-style: chr16-68819306-A-G. GRCh37 (hg19) VCF-style: chr16-68853209-A-G.
Other names: c.1592A>G (LRG_301t1); c.1409A>G, p.Asn470Ser (NM_001317184.2); c.44A>G, p.Asn15Ser (NM_001317185.2); c.-254-2695A>G (NM_001317186.2); short protein forms N470S, N15S, N531S.
Identifiers: ClinVar variation 656646 (VCV000656646.19), dbSNP rs1596960354, ClinGen allele CA396464933.

ClinVar aggregate classification (germline): Conflicting classifications of pathogenicity. Review status: criteria provided, conflicting classifications (1 of 4 stars). 4 submissions from 4 submitters: Uncertain significance (3); Likely benign (1). Last evaluated 2025-01-03.

Conditions:
Hereditary diffuse gastric adenocarcinoma (HDGC). Also called: DIFFUSE GASTRIC AND LOBULAR BREAST CANCER SYNDROME. Identifiers: Orphanet 26106, MedGen C1708349, MONDO:0007648, OMIM 137215.
Hereditary cancer-predisposing syndrome. Also called: Neoplastic Syndromes, Hereditary; Hereditary neoplastic syndrome; Hereditary Cancer Syndrome; Tumor predisposition. Identifiers: Orphanet 140162, MedGen C0027672, MeSH D009386, MONDO:0015356.

Submissions (4):

Ambry Genetics
Classification: Likely benign for Hereditary cancer-predisposing syndrome. Last evaluated: 2025-01-03. Review status: criteria provided, single submitter. Criteria: Ambry Variant Classification Scheme 2023. Collection method: clinical testing. Allele origin: germline.

Women's Health and Genetics/Laboratory Corporation of America, LabCorp
Classification: Uncertain significance. Last evaluated: 2024-07-01. Review status: criteria provided, single submitter. Criteria: LabCorp Variant Classification Summary - May 2015. Collection method: clinical testing. Allele origin: germline.
Comment: Variant summary: CDH1 c.1592A>G (p.Asn531Ser) results in a conservative amino acid change located in the Cadherin-like domain (IPR002126) of the encoded protein sequence. Five of five in-silico tools predict a benign effect of the variant on protein function. The variant was absent in 251482 control chromosomes (gnomAD). The available data on variant occurrences in the general population are insufficient to allow any conclusion about variant significance. To our knowledge, no occurrence of c.1592A>G in individuals affected with Breast Cancer and no experimental evidence demonstrating its impact on protein function have been reported. ClinVar contains an entry for this variant (Variation ID: 656646). Based on the evidence outlined above, the variant was classified as uncertain significance.

Color Diagnostics, LLC DBA Color Health
Classification: Uncertain significance for Hereditary cancer-predisposing syndrome. Last evaluated: 2023-12-05. Review status: criteria provided, single submitter. Criteria: ACMG Guidelines, 2015. Collection method: clinical testing. Allele origin: germline.
Comment: This missense variant replaces asparagine with serine at codon 531 of the CDH1 protein. Computational prediction tools and conservation analyses suggest that this variant may not impact the protein function. Computational splicing tools suggest that this variant may not impact RNA splicing. To our knowledge, functional assays have not been performed for this variant nor has this variant been reported in individuals affected with hereditary cancer in the literature. This variant has not been identified in the general population by the Genome Aggregation Database (gnomAD). Available evidence is insufficient to determine the role of this variant in disease conclusively. Therefore, this variant is classified as a Variant of Uncertain Significance.

Labcorp Genetics (formerly Invitae), Labcorp
Classification: Uncertain significance for Hereditary diffuse gastric adenocarcinoma. Last evaluated: 2019-09-16. Review status: criteria provided, single submitter. Criteria: Invitae Variant Classification Sherloc (09022015). Collection method: clinical testing. Allele origin: germline.
Comment: This variant has not been reported in the literature in individuals with CDH1-related disease. This variant is not present in population databases (ExAC no frequency). This sequence change replaces asparagine with serine at codon 531 of the CDH1 protein (p.Asn531Ser). The asparagine residue is weakly conserved and there is a small physicochemical difference between asparagine and serine. Algorithms developed to predict the effect of missense changes on protein structure and function (SIFT, PolyPhen-2, Align-GVGD) all suggest that this variant is likely to be tolerated, but these predictions have not been confirmed by published functional studies and their clinical significance is uncertain. In summary, the available evidence is currently insufficient to determine the role of this variant in disease. Therefore, it has been classified as a Variant of Uncertain Significance.